The following is an entry in ClinVar:

NM_000435.3(NOTCH3):c.521G>C (p.Cys174Ser)

Gene: NOTCH3 (notch receptor 3; minus strand). Cytogenetic location: 19p13.12.
Variant type: single nucleotide variant.
Coding change: c.521G>C on transcript NM_000435.3 (MANE Select); coding-DNA position 521, G replaced by C.
Protein change: p.Cys174Ser; replaces cysteine 174 with serine.
Molecular consequence: missense variant.
Genome position (GRCh38, 1-based): chr19:15,192,118, C>G on the plus strand (G>C on the coding strand, the complement: NOTCH3 is on the minus strand). VCF-style: chr19-15192118-C-G. GRCh37 (hg19) VCF-style: chr19-15302929-C-G.
Other names: short protein forms C174S.
Identifiers: ClinVar variation 3075663 (VCV003075663.1), dbSNP rs1555729486, ClinGen allele CA404533738.

ClinVar aggregate classification (germline): Pathogenic (1 of 4 stars; one submission).

Conditions:
Cerebral arteriopathy, autosomal dominant, with subcortical infarcts and leukoencephalopathy, type 1 (CADASIL1). Also called: CADASIL 1; CASIL; Cerebral arteriopathy with subcortical infarcts and leukoencephalopathy 1; DEMENTIA, HEREDITARY MULTIINFARCT TYPE. Identifiers: Orphanet 136, MedGen C4551768, MONDO:0000914, OMIM 125310.

Submission:

North West Genomic Laboratory Hub, Manchester University NHS Foundation Trust
Classification: Pathogenic for Cerebral arteriopathy, autosomal dominant, with subcortical infarcts and leukoencephalopathy, type 1. Last evaluated: 2019-08-20. Review status: criteria provided, single submitter. Criteria: ACMG Guidelines, 2015. Collection method: clinical testing. Allele origin: germline. Affected: yes.
Comment: Criteria Codes: PS1 PM1_Str PM2 PM5_Str PP2 PP3